The following is an entry in ClinVar:

ClinVar aggregate classification (germline): Benign (1 of 4 stars; one submission).

Conditions:
Sorsby fundus dystrophy (SFD). Also called: MACULAR DYSTROPHY, HEMORRHAGIC; Sorsby fundus dystrophy, Lavia type; FUNDUS DYSTROPHY, PSEUDOINFLAMMATORY, OF SORSBY. Identifiers: Orphanet 59181, MedGen C1850938, MONDO:0007640, OMIM 136900.

Allele frequency attached by ClinVar (database versions not stated): gnomAD 0.00926 and 0.01002; 1000 Genomes Project 0.00978; TOPMed 0.01019; 1000 Genomes Project 30x 0.01093.

Submission:

Illumina Laboratory Services, Illumina
Classification: Benign for Sorsby fundus dystrophy. Last evaluated: 2018-01-12. Review status: criteria provided, single submitter. Criteria: ICSL Variant Classification Criteria 13 December 2019. Collection method: clinical testing. Allele origin: germline.
Comment: This variant was observed in the ICSL laboratory as part of a predisposition screen in an ostensibly healthy population. It had not been previously curated by ICSL or reported in the Human Gene Mutation Database (HGMD: prior to June 1st, 2018), and was therefore a candidate for classification through an automated scoring system. Utilizing variant allele frequency, disease prevalence and penetrance estimates, and inheritance mode, an automated score was calculated to assess if this variant is too frequent to cause the disease. Based on the score and internal cut-off values, a variant classified as benign is not then subjected to further curation. The score for this variant resulted in a classification of benign for this disease.

NM_000362.5(TIMP3):c.*3010G>A

Genes: SYN3 (synapsin III; minus strand), TIMP3 (TIMP metallopeptidase inhibitor 3; plus strand). Cytogenetic location: 22q12.3.
Variant type: single nucleotide variant.
Coding change: c.*3010G>A on transcript NM_000362.5 (MANE Select); 3010 bases downstream of the stop codon, G replaced by A.
Molecular consequence: 3 prime UTR variant. On other transcripts: intron variant (7).
Genome position (GRCh38, 1-based): chr22:32,862,387, G>A. VCF-style: chr22-32862387-G-A. GRCh37 (hg19) VCF-style: chr22-33258374-G-A.
Other names: c.708+2528C>T (NM_001369909.1, NM_001135774.2, NM_001369910.1); c.711+2528C>T (NM_001369907.1, NM_003490.4, NM_001369908.1 and 1 more transcripts).
Identifiers: ClinVar variation 341400 (VCV000341400.5), dbSNP rs73885121, ClinGen allele CA10654094.